The following is an entry in ClinVar:

NM_001130438.3(SPTAN1):c.4479G>T (p.Ala1493=)

Gene: SPTAN1 (spectrin alpha, non-erythrocytic 1; plus strand). Cytogenetic location: 9q34.11.
Variant type: single nucleotide variant.
Coding change: c.4479G>T on transcript NM_001130438.3 (MANE Select); coding-DNA position 4479, G replaced by T.
Protein change: p.Ala1493=; no amino-acid change (alanine 1493 retained).
Molecular consequence: synonymous variant.
Genome position (GRCh38, 1-based): chr9:128,608,264, G>T. VCF-style: chr9-128608264-G-T. GRCh37 (hg19) VCF-style: chr9-131370543-G-T.
Other names: c.4419G>T, p.Ala1473= (NM_001195532.2, NM_001363765.2, NM_001375314.2); c.4479G>T, p.Ala1493= (NM_001363759.2, NM_001375310.1, NM_001375311.2 and 2 more transcripts); c.4515G>T, p.Ala1505= (NM_001375312.2, NM_001375318.1).
Identifiers: ClinVar variation 1081677 (VCV001081677.12), dbSNP rs201716851, ClinGen allele CA467302988.
Genomic context (GRCh38, chr9:128,608,264, plus strand): 5'-AGGAGACTCACTGGACAGCGTAGAGGCTCTGATCAAAAAACATGAAGACTTTGACAAAGC[G>T]ATTAACGTCCAGGTGAGGCCTCTGGACCATGGAGTTGGAGTCTGGATTTTTCCTGATTGA-3'
Protein context (NP_001123910.1, residues 1483-1503): LIKKHEDFDK[Ala1493=]INVQEEKIAA

ClinVar aggregate classification (germline): Likely benign. Review status: criteria provided, multiple submitters, no conflicts (2 of 4 stars). 2 submissions from 2 submitters: Likely benign (2). Last evaluated 2026-06-01.

Conditions:
Early-infantile DEE. Also called: Early infantile epileptic encephalopathy; Ohtahara syndrome; Early infantile epileptic encephalopathy with suppression bursts. Identifiers: Orphanet 1934, MedGen C0393706, MONDO:0800491.

Submissions (2):

CeGaT Center for Human Genetics Tuebingen
Classification: Likely benign. Last evaluated: 2026-06-01. Review status: criteria provided, single submitter. Criteria: CeGaT Center For Human Genetics Tuebingen Variant Classification Criteria Version 2. Collection method: clinical testing. Allele origin: germline. Affected: yes. Observed: 1 variant allele.
Comment: SPTAN1: PM2:Supporting, BP4, BP7

Labcorp Genetics (formerly Invitae), Labcorp
Classification: Likely benign for Early-infantile DEE. Last evaluated: 2025-04-21. Review status: criteria provided, single submitter. Criteria: Invitae Variant Classification Sherloc (09022015). Collection method: clinical testing. Allele origin: germline.